The following is an entry in ClinVar:

NM_000179.3(MSH6):c.1920A>T (p.Glu640Asp)

Gene: MSH6 (mutS homolog 6; plus strand). Cytogenetic location: 2p16.3.
Variant type: single nucleotide variant.
Coding change: c.1920A>T on transcript NM_000179.3 (MANE Select); coding-DNA position 1920, A replaced by T.
Protein change: p.Glu640Asp; replaces glutamic acid 640 with aspartic acid.
Molecular consequence: missense variant.
Genome position (GRCh38, 1-based): chr2:47,799,903, A>T. VCF-style: chr2-47799903-A-T. GRCh37 (hg19) VCF-style: chr2-48027042-A-T.
Other names: c.1530A>T, p.Glu510Asp (NM_001281492.2); c.1014A>T, p.Glu338Asp (NM_001281493.2, NM_001281494.2); short protein forms E338D, E510D, E640D.
Identifiers: ClinVar variation 1332287 (VCV001332287.6), dbSNP rs1572724974, ClinGen allele CA346750282.

ClinVar aggregate classification (germline): Uncertain significance. Review status: criteria provided, multiple submitters, no conflicts (2 of 4 stars). 4 submissions from 4 submitters: Uncertain significance (4). Last evaluated 2026-07-07.

Conditions:
Hereditary nonpolyposis colorectal neoplasms. Identifiers: MedGen C0009405, MeSH D003123.
Hereditary cancer-predisposing syndrome. Also called: Hereditary Cancer Syndrome; Neoplastic Syndromes, Hereditary; Hereditary neoplastic syndrome; Tumor predisposition. Identifiers: Orphanet 140162, MedGen C0027672, MeSH D009386, MONDO:0015356.
Lynch syndrome. Identifiers: Orphanet 144, MedGen C4552100, MONDO:0005835. Disease mechanism: loss of function.

Submissions (4):

Ambry Genetics
Classification: Uncertain significance for Hereditary cancer-predisposing syndrome. Last evaluated: 2026-07-07. Review status: criteria provided, single submitter. Criteria: Ambry Variant Classification Scheme 2023. Collection method: clinical testing. Allele origin: germline.
Comment: The p.E640D variant (also known as c.1920A>T), located in coding exon 4 of the MSH6 gene, results from an A to T substitution at nucleotide position 1920. The glutamic acid at codon 640 is replaced by aspartic acid, an amino acid with highly similar properties. This amino acid position is conserved. In addition, this alteration is predicted to be tolerated by in silico analysis. Based on the available evidence, the clinical significance of this variant remains unclear.

Color Diagnostics, LLC DBA Color Health
Classification: Uncertain significance for Hereditary cancer-predisposing syndrome. Last evaluated: 2024-03-06. Review status: criteria provided, single submitter. Criteria: ACMG Guidelines, 2015. Collection method: clinical testing. Allele origin: germline.
Comment: This missense variant replaces glutamic acid with aspartic acid at codon 640 of the MSH6 protein. Computational prediction suggests that this variant may not impact protein structure and function (internally defined REVEL score threshold <= 0.5, PMID: 27666373). To our knowledge, functional studies have not been reported for this variant. This variant has not been reported in individuals affected with MSH6-related disorders in the literature. This variant has not been identified in the general population by the Genome Aggregation Database (gnomAD). The available evidence is insufficient to determine the role of this variant in disease conclusively. Therefore, this variant is classified as a Variant of Uncertain Significance.

Labcorp Genetics (formerly Invitae), Labcorp
Classification: Uncertain significance for Hereditary nonpolyposis colorectal neoplasms. Last evaluated: 2024-01-05. Review status: criteria provided, single submitter. Criteria: Invitae Variant Classification Sherloc (09022015). Collection method: clinical testing. Allele origin: germline.
Comment: This sequence change replaces glutamic acid, which is acidic and polar, with aspartic acid, which is acidic and polar, at codon 640 of the MSH6 protein (p.Glu640Asp). This variant is not present in population databases (gnomAD no frequency). This variant has not been reported in the literature in individuals affected with MSH6-related conditions. ClinVar contains an entry for this variant (Variation ID: 1332287). Advanced modeling of protein sequence and biophysical properties (such as structural, functional, and spatial information, amino acid conservation, physicochemical variation, residue mobility, and thermodynamic stability) performed at Invitae indicates that this missense variant is not expected to disrupt MSH6 protein function with a negative predictive value of 95%. In summary, the available evidence is currently insufficient to determine the role of this variant in disease. Therefore, it has been classified as a Variant of Uncertain Significance.

All of Us Research Program, National Institutes of Health
Classification: Uncertain significance for Lynch syndrome. Last evaluated: 2023-12-18. Review status: criteria provided, single submitter. Criteria: ACMG Guidelines, 2015. Collection method: clinical testing. Allele origin: germline. Inheritance: Autosomal dominant inheritance. Observed: 1 variant allele, 1 heterozygote.
Comment: This missense variant replaces glutamic acid with aspartic acid at codon 640 of the MSH6 protein. Computational prediction suggests that this variant may not impact protein structure and function (internally defined REVEL score threshold <= 0.5, PMID: 27666373). To our knowledge, functional studies have not been reported for this variant. This variant has not been reported in individuals affected with MSH6-related disorders in the literature. This variant has not been identified in the general population by the Genome Aggregation Database (gnomAD). The available evidence is insufficient to determine the role of this variant in disease conclusively. Therefore, this variant is classified as a Variant of Uncertain Significance.

This study involves interpretation of variants in research participants for the purpose of population health screening. Participant phenotype was not available at the time of variant classification. Additional details can be found in publication PMID: 35346344, PMCID: PMC8962531